The following is an entry in ClinVar:

NM_002206.3(ITGA7):c.1237A>G (p.Ile413Val)

Gene: ITGA7 (integrin subunit alpha 7; minus strand). Cytogenetic location: 12q13.2.
Variant type: single nucleotide variant.
Coding change: c.1237A>G on transcript NM_002206.3 (MANE Select); coding-DNA position 1237, A replaced by G.
Protein change: p.Ile413Val; replaces isoleucine 413 with valine.
Molecular consequence: missense variant. On other transcripts: 5 prime UTR variant (1).
Genome position (GRCh38, 1-based): chr12:55,697,982, T>C on the plus strand (A>G on the coding strand, the complement: ITGA7 is on the minus strand). VCF-style: chr12-55697982-T-C. GRCh37 (hg19) VCF-style: chr12-56091766-T-C.
Other names: c.1249A>G, p.Ile417Val (NM_001144996.2, NM_001414029.1); c.958A>G, p.Ile320Val (NM_001144997.2); c.910A>G, p.Ile304Val (NM_001367993.1); c.-56A>G (NM_001367994.1); c.1237A>G, p.Ile413Val (NM_001374465.1, NM_001414034.1); c.1369A>G, p.Ile457Val (NM_001410977.1); c.1162A>G, p.Ile388Val (NM_001414030.1); c.1150A>G, p.Ile384Val (NM_001414031.1); and 3 more; short protein forms I304V, I413V, I417V, I320V, I457V, I388V, I373V, I300V.
Identifiers: ClinVar variation 1379343 (VCV001379343.3), dbSNP rs17857367, ClinGen allele CA6616021.

ClinVar aggregate classification (germline): Uncertain significance (1 of 4 stars; one submission).

Conditions:
Congenital muscular dystrophy due to integrin alpha-7 deficiency. Also called: MYOPATHY, CONGENITAL, DUE TO INTEGRIN ALPHA-7 DEFICIENCY; Congenital muscular dystrophy with integrin alpha-7 deficiency; Muscular dystrophy, congenital, due to ITGA7 deficiency. Identifiers: Orphanet 34520, MedGen C2750786, MONDO:0013177, OMIM 613204.

Allele frequency attached by ClinVar (database versions not stated): TOPMed below 0.00001; gnomAD 0.00001; gnomAD exomes 0.00001 and 0.00002; ExAC 0.00002.

Submission:

Labcorp Genetics (formerly Invitae), Labcorp
Classification: Uncertain significance for Congenital muscular dystrophy due to integrin alpha-7 deficiency. Last evaluated: 2021-06-29. Review status: criteria provided, single submitter. Criteria: Invitae Variant Classification Sherloc (09022015). Collection method: clinical testing. Allele origin: germline.
Comment: This sequence change replaces isoleucine with valine at codon 413 of the ITGA7 protein (p.Ile413Val). The isoleucine residue is highly conserved and there is a small physicochemical difference between isoleucine and valine. This variant is present in population databases (rs17857367, ExAC 0.01%). This variant has not been reported in the literature in individuals affected with ITGA7-related conditions. Algorithms developed to predict the effect of missense changes on protein structure and function (SIFT, PolyPhen-2, Align-GVGD) all suggest that this variant is likely to be tolerated. In summary, the available evidence is currently insufficient to determine the role of this variant in disease. Therefore, it has been classified as a Variant of Uncertain Significance.